The following is an entry in ClinVar:

ClinVar aggregate classification (germline): Likely benign (1 of 4 stars; one submission).

gnomAD v4.1: 10 of 1,372,056 alleles (0.00073%); highest among the groups gnomAD compares: Non-Finnish European, 0.00095%; no homozygotes.

Submission:

Women's Health and Genetics/Laboratory Corporation of America, LabCorp
Classification: Likely benign. Last evaluated: 2025-11-06. Review status: criteria provided, single submitter. Criteria: LabCorp Variant Classification Summary - May 2015. Collection method: clinical testing. Allele origin: germline.
Comment: Variant summary: MEF2C c.965-11C>G alters a nucleotide located at a position not widely known to affect splicing. Consensus agreement among computation tools predict no significant impact on normal splicing. However, these predictions have yet to be confirmed by functional studies. The variant allele was found at a frequency of 1.2e-05 in 84938 control chromosomes. The available data on variant occurrences in the general population are insufficient to allow any conclusion about variant significance. To our knowledge, no occurrence of c.965-11C>G in individuals affected with MEF2C-related conditions and no experimental evidence demonstrating its impact on protein function have been reported. No submitters have cited clinical-significance assessments for this variant to ClinVar. Based on the evidence outlined above, the variant was classified as likely benign.

NM_002397.5(MEF2C):c.965-11C>G

Gene: MEF2C (myocyte enhancer factor 2C; minus strand). Cytogenetic location: 5q14.3.
Variant type: single nucleotide variant.
Coding change: c.965-11C>G on transcript NM_002397.5 (MANE Select); 11 bases into the intron before coding-DNA position 965, C replaced by G.
Molecular consequence: intron variant.
Genome position (GRCh38, 1-based): chr5:88,728,639, G>C on the plus strand (C>G on the coding strand, the complement: MEF2C is on the minus strand). VCF-style: chr5-88728639-G-C. GRCh37 (hg19) VCF-style: chr5-88024456-G-C.
Other names: c.965-11C>G (NM_001364329.2, NM_001364330.2, NM_001193350.2 and 9 more transcripts); c.941-11C>G (NM_001364333.2, NM_001308002.3, NM_001364349.2 and 6 more transcripts); c.821-11C>G (NM_001364344.2, NM_001364354.2, NM_001364332.2 and 2 more transcripts); c.587-11C>G (NM_001364353.2, NM_001364356.2); c.935-11C>G (NM_001131005.2, NM_001364352.2, NM_001364343.2); c.995-11C>G (NM_001193347.1, NM_001364338.2); c.797-11C>G (NM_001193348.1); c.515-11C>G (NM_001364357.2).
Identifiers: ClinVar variation 4537007 (VCV004537007.1).